The following is an entry in ClinVar:

NM_001134363.3(RBM20):c.3560A>G (p.Tyr1187Cys)

Gene: RBM20 (RNA binding motif protein 20; plus strand). Cytogenetic location: 10q25.2.
Variant type: single nucleotide variant.
Coding change: c.3560A>G on transcript NM_001134363.3 (MANE Select); coding-DNA position 3560, A replaced by G.
Protein change: p.Tyr1187Cys; replaces tyrosine 1187 with cysteine.
Molecular consequence: missense variant.
Genome position (GRCh38, 1-based): chr10:110,831,169, A>G. VCF-style: chr10-110831169-A-G. GRCh37 (hg19) VCF-style: chr10-112590927-A-G.
Other names: short protein forms Y1187C.
Identifiers: ClinVar variation 2640832 (VCV002640832.24), dbSNP rs2493515155, ClinGen allele CA378386764.

ClinVar aggregate classification (germline): Uncertain significance (1 of 4 stars; one submission).

Submission:

CeGaT Center for Human Genetics Tuebingen
Classification: Uncertain significance. Last evaluated: 2022-11-01. Review status: criteria provided, single submitter. Criteria: CeGaT Center For Human Genetics Tuebingen Variant Classification Criteria Version 2. Collection method: clinical testing. Allele origin: germline. Affected: yes. Observed: 1 variant allele.
Comment: RBM20: PM2